The following is an entry in ClinVar:

ClinVar aggregate classification (germline): Likely benign. Review status: criteria provided, multiple submitters, no conflicts (2 of 4 stars). 4 submissions from 4 submitters: Likely benign (3). 1 of the submissions does not count toward it. Last evaluated 2026-01-19.

Conditions:
LAMA1-related disorder. Also called: LAMA1-related condition; LAMA1-related disorders.

Allele frequency attached by ClinVar (database versions not stated): gnomAD exomes 0.00004 and 0.00015; ExAC 0.00006; gnomAD 0.00007 and 0.00009; ESP Exome Variant Server 0.00008; TOPMed 0.00009; 1000 Genomes Project 0.00020; 1000 Genomes Project 30x 0.00031.
gnomAD v4.1: 83 of 1,614,140 alleles (0.0051%); highest among the groups gnomAD compares: Admixed American, 0.067%; no homozygotes.

Submissions (4):

Labcorp Genetics (formerly Invitae), Labcorp
Classification: Likely benign. Last evaluated: 2026-01-19. Review status: criteria provided, single submitter. Criteria: Invitae Variant Classification Sherloc (09022015). Collection method: clinical testing. Allele origin: germline.

CeGaT Center for Human Genetics Tuebingen
Classification: Likely benign. Last evaluated: 2026-01-01. Review status: criteria provided, single submitter. Criteria: CeGaT Center For Human Genetics Tuebingen Variant Classification Criteria Version 2. Collection method: clinical testing. Allele origin: germline. Affected: yes. Observed: 1 variant allele.
Comment: LAMA1: BP4, BP7

Blueprint Genetics
Classification: Likely benign. Last evaluated: 2024-09-04. Review status: criteria provided, single submitter. Criteria: ACMG Guidelines, 2015. Collection method: clinical testing. Allele origin: germline.

PreventionGenetics, part of Exact Sciences
Classification: Likely benign for LAMA1-related condition. Last evaluated: 2019-10-15. Review status: no assertion criteria provided. Collection method: clinical testing. Allele origin: germline. Not counted in ClinVar's aggregate classification.
Comment: This variant is classified as likely benign based on ACMG/AMP sequence variant interpretation guidelines (Richards et al. 2015 PMID: 25741868, with internal and published modifications).

NM_005559.4(LAMA1):c.2562C>T (p.Asn854=)

Gene: LAMA1 (laminin subunit alpha 1; minus strand). Cytogenetic location: 18p11.31.
Variant type: single nucleotide variant.
Coding change: c.2562C>T on transcript NM_005559.4 (MANE Select); coding-DNA position 2562, C replaced by T.
Protein change: p.Asn854=; no amino-acid change (asparagine 854 retained).
Molecular consequence: synonymous variant.
Genome position (GRCh38, 1-based): chr18:7,023,303, G>A on the plus strand (C>T on the coding strand, the complement: LAMA1 is on the minus strand). VCF-style: chr18-7023303-G-A. GRCh37 (hg19) VCF-style: chr18-7023302-G-A.
Identifiers: ClinVar variation 725900 (VCV000725900.15), dbSNP rs188317411, ClinGen allele CA8882601.